The following is an entry in ClinVar:

NM_015089.4(CUL9):c.1377G>A (p.Val459=)

Genes: CUL9 (cullin 9; plus strand), LOC126859676 (MED14-independent group 3 enhancer GRCh37_chr6:43154118-43155317; plus strand). Cytogenetic location: 6p21.1.
Variant type: single nucleotide variant.
Coding change: c.1377G>A on transcript NM_015089.4 (MANE Select); coding-DNA position 1377, G replaced by A.
Protein change: p.Val459=; no amino-acid change (valine 459 retained).
Molecular consequence: synonymous variant.
Genome position (GRCh38, 1-based): chr6:43,187,085, G>A. VCF-style: chr6-43187085-G-A. GRCh37 (hg19) VCF-style: chr6-43154823-G-A.
Identifiers: ClinVar variation 2656580 (VCV002656580.24), dbSNP rs760357652, ClinGen allele CA3817290.

ClinVar aggregate classification (germline): Likely benign (1 of 4 stars; one submission).

Allele frequency attached by ClinVar (database versions not stated): gnomAD 0.00007; TOPMed 0.00011; ExAC 0.00017.

Submission:

CeGaT Center for Human Genetics Tuebingen
Classification: Likely benign. Last evaluated: 2023-02-01. Review status: criteria provided, single submitter. Criteria: CeGaT Center For Human Genetics Tuebingen Variant Classification Criteria Version 2. Collection method: clinical testing. Allele origin: germline. Affected: yes. Observed: 1 variant allele.
Comment: CUL9: BP4, BP7